The following is an entry in ClinVar:

ClinVar aggregate classification (germline): Benign/Likely benign. Review status: criteria provided, multiple submitters, no conflicts (2 of 4 stars). 7 submissions from 7 submitters: Benign (3); Likely benign (3). 1 of the submissions does not count toward it. Last evaluated 2026-06-29.

Conditions:
Ehlers-Danlos syndrome, dermatosparaxis type. Also called: EDS VIIC; Dermatosparaxis; Ehlers-Danlos syndrome, type VII, autosomal recessive. Identifiers: Orphanet 1901, MedGen C2700425, MONDO:0009161, OMIM 225410.

Allele frequency attached by ClinVar (database versions not stated): ESP Exome Variant Server 0.00015; gnomAD exomes 0.00047 and 0.00118; gnomAD 0.00060 and 0.00081; TOPMed 0.00077; ExAC 0.00119; 1000 Genomes Project 30x 0.00390; 1000 Genomes Project 0.00439.
gnomAD v4.1: 851 of 1,614,042 alleles (0.053%); highest among the groups gnomAD compares: East Asian, 1.6%; 10 homozygotes.

Submissions (7):

Women's Health and Genetics/Laboratory Corporation of America, LabCorp
Classification: Likely benign. Last evaluated: 2026-06-29. Review status: criteria provided, single submitter. Criteria: LabCorp Variant Classification Summary - May 2015. Collection method: clinical testing. Allele origin: germline.

CeGaT Center for Human Genetics Tuebingen
Classification: Likely benign. Last evaluated: 2026-06-01. Review status: criteria provided, single submitter. Criteria: CeGaT Center For Human Genetics Tuebingen Variant Classification Criteria Version 2. Collection method: clinical testing. Allele origin: germline. Affected: yes. Observed: 1 variant allele.
Comment: ADAMTS2: BP4, BS1

Labcorp Genetics (formerly Invitae), Labcorp
Classification: Benign for Ehlers-Danlos syndrome, dermatosparaxis type. Last evaluated: 2026-01-28. Review status: criteria provided, single submitter. Criteria: Invitae Variant Classification Sherloc (09022015). Collection method: clinical testing. Allele origin: germline.

Blueprint Genetics
Classification: Likely benign. Last evaluated: 2024-11-18. Review status: criteria provided, single submitter. Criteria: ACMG Guidelines, 2015. Collection method: clinical testing. Allele origin: germline.

GeneDx
Classification: Benign. Last evaluated: 2019-03-04. Review status: criteria provided, single submitter. Criteria: GeneDx Variant Classification Process June 2021. Collection method: clinical testing. Allele origin: germline. Affected: yes.

Illumina Laboratory Services, Illumina
Classification: Benign for Ehlers-Danlos syndrome, dermatosparaxis type. Last evaluated: 2018-01-13. Review status: criteria provided, single submitter. Criteria: ICSL Variant Classification Criteria 13 December 2019. Collection method: clinical testing. Allele origin: germline.
Comment: This variant was observed in the ICSL laboratory as part of a predisposition screen in an ostensibly healthy population. It had not been previously curated by ICSL or reported in the Human Gene Mutation Database (HGMD: prior to June 1st, 2018), and was therefore a candidate for classification through an automated scoring system. Utilizing variant allele frequency, disease prevalence and penetrance estimates, and inheritance mode, an automated score was calculated to assess if this variant is too frequent to cause the disease. Based on the score and internal cut-off values, a variant classified as benign is not then subjected to further curation. The score for this variant resulted in a classification of benign for this disease.

Natera, Inc.
Classification: Benign for Ehlers-Danlos syndrome type VIIC. Last evaluated: 2020-09-16. Review status: no assertion criteria provided. Collection method: clinical testing. Allele origin: germline. Not counted in ClinVar's aggregate classification.

NM_014244.5(ADAMTS2):c.3506G>T (p.Gly1169Val)

Gene: ADAMTS2 (ADAM metallopeptidase with thrombospondin type 1 motif 2; minus strand). Cytogenetic location: 5q35.3.
Variant type: single nucleotide variant.
Coding change: c.3506G>T on transcript NM_014244.5 (MANE Select); coding-DNA position 3506, G replaced by T.
Protein change: p.Gly1169Val; replaces glycine 1169 with valine.
Molecular consequence: missense variant.
Genome position (GRCh38, 1-based): chr5:179,113,997, C>A on the plus strand (G>T on the coding strand, the complement: ADAMTS2 is on the minus strand). VCF-style: chr5-179113997-C-A. GRCh37 (hg19) VCF-style: chr5-178540998-C-A.
Other names: short protein forms G1169V.
Identifiers: ClinVar variation 353084 (VCV000353084.22), dbSNP rs117187367, ClinGen allele CA3595215.